The following is an entry in ClinVar:

ClinVar aggregate classification (germline): Uncertain significance (1 of 4 stars; one submission).

Conditions:
Hereditary insensitivity to pain with anhidrosis (CIPA). Also called: NTRK1 Congenital Insensitivity to Pain with Anhidrosis; NEUROPATHY, CONGENITAL SENSORY, WITH ANHIDROSIS; HSAN Type IV; INSENSITIVITY TO PAIN, CONGENITAL, WITH ANHIDROSIS; FAMILIAL DYSAUTONOMIA, TYPE II; hereditary sensory and autonomic neuropathy type 4. Identifiers: Orphanet 642, MedGen C0020074, MONDO:0009746, OMIM 256800.

Submission:

Labcorp Genetics (formerly Invitae), Labcorp
Classification: Uncertain significance for Hereditary insensitivity to pain with anhidrosis. Last evaluated: 2025-03-31. Review status: criteria provided, single submitter. Criteria: Invitae Variant Classification Sherloc (09022015). Collection method: clinical testing. Allele origin: germline.
Comment: This sequence change replaces asparagine, which is neutral and polar, with lysine, which is basic and polar, at codon 95 of the NTRK1 protein (p.Asn95Lys). This variant is not present in population databases (gnomAD no frequency). This variant has not been reported in the literature in individuals affected with NTRK1-related conditions. An algorithm developed to predict the effect of missense changes on protein structure and function outputs the following: PolyPhen-2: "Benign". The lysine amino acid residue is found in multiple mammalian species, which suggests that this missense change does not adversely affect protein function. In summary, the available evidence is currently insufficient to determine the role of this variant in disease. Therefore, it has been classified as a Variant of Uncertain Significance.

NM_002529.4(NTRK1):c.285C>A (p.Asn95Lys)

Gene: NTRK1 (neurotrophic receptor tyrosine kinase 1; plus strand). Cytogenetic location: 1q23.1.
Variant type: single nucleotide variant.
Coding change: c.285C>A on transcript NM_002529.4 (MANE Select); coding-DNA position 285, C replaced by A.
Protein change: p.Asn95Lys; replaces asparagine 95 with lysine.
Molecular consequence: missense variant.
Genome position (GRCh38, 1-based): chr1:156,864,426, C>A. VCF-style: chr1-156864426-C-A. GRCh37 (hg19) VCF-style: chr1-156834218-C-A.
Other names: c.195C>A, p.Asn65Lys (NM_001007792.1); c.285C>A, p.Asn95Lys (NM_001012331.2); short protein forms N65K, N95K.
Identifiers: ClinVar variation 3681956 (VCV003681956.2).
Genomic context (GRCh38, chr1:156,864,426, plus strand): 5'-CCAGCAGCATCTGCAGCATCTGGAGCTCCGTGATCTGAGGGGCCTGGGGGAGCTGAGAAA[C>A]CTGTGAGGGAAACGGGGACTGTGGGTGTGGAGCTCAGCATGGGCCTGGGGGAGACCAGAA-3'
Protein context (NP_002520.2, residues 85-105): RDLRGLGELR[Asn95Lys]LTIVKSGLRF